The following is an entry in ClinVar:

NM_000482.4(APOA4):c.919G>C (p.Val307Leu)

Gene: APOA4 (apolipoprotein A4; minus strand). Cytogenetic location: 11q23.3.
Variant type: single nucleotide variant.
Coding change: c.919G>C on transcript NM_000482.4 (MANE Select); coding-DNA position 919, G replaced by C.
Protein change: p.Val307Leu; replaces valine 307 with leucine.
Molecular consequence: missense variant.
Genome position (GRCh38, 1-based): chr11:116,821,139, C>G on the plus strand (G>C on the coding strand, the complement: APOA4 is on the minus strand). VCF-style: chr11-116821139-C-G. GRCh37 (hg19) VCF-style: chr11-116691855-C-G.
Other names: short protein forms V307L.
Identifiers: ClinVar variation 2907728 (VCV002907728.3), dbSNP rs5108, ClinGen allele CA6289278.
Genomic context (GRCh38, chr11:116,821,139, plus strand): 5'-GCCTGAGCTGTTCCATCTGCTGCACCAGGGCTTTGTTGAAGTTTTCCCCGTAGGGCTCCA[C>G]CCGGCGTCGGAACTCCTCCACCTGCTGGTCCAGGTGCCCACCCAGCTCTGCCAGTGACTT-3'
Protein context (NP_000473.2, residues 297-317): DQQVEEFRRR[Val307Leu]EPYGENFNKA

ClinVar aggregate classification (germline): Uncertain significance (1 of 4 stars; one submission).

Allele frequency attached by ClinVar (database versions not stated): ESP Exome Variant Server 0.00031; 1000 Genomes Project 30x 0.00062; 1000 Genomes Project 0.00080.
gnomAD v4.1: 60 of 1,613,624 alleles (0.0037%); highest among the groups gnomAD compares: African/African-American, 0.072%; no homozygotes.

Submission:

Labcorp Genetics (formerly Invitae), Labcorp
Classification: Uncertain significance. Last evaluated: 2024-01-17. Review status: criteria provided, single submitter. Criteria: Invitae Variant Classification Sherloc (09022015). Collection method: clinical testing. Allele origin: germline.
Comment: This sequence change replaces valine, which is neutral and non-polar, with leucine, which is neutral and non-polar, at codon 307 of the APOA4 protein (p.Val307Leu). This variant is present in population databases (rs5108, gnomAD 0.09%), and has an allele count higher than expected for a pathogenic variant. This variant has not been reported in the literature in individuals affected with APOA4-related conditions. Advanced modeling of protein sequence and biophysical properties (such as structural, functional, and spatial information, amino acid conservation, physicochemical variation, residue mobility, and thermodynamic stability) performed at Invitae indicates that this missense variant is not expected to disrupt APOA4 protein function with a negative predictive value of 80%. In summary, the available evidence is currently insufficient to determine the role of this variant in disease. Therefore, it has been classified as a Variant of Uncertain Significance.